The following is an entry in ClinVar:

ClinVar aggregate classification (germline): Likely benign. Review status: criteria provided, multiple submitters, no conflicts (2 of 4 stars). 2 submissions from 2 submitters: Likely benign (2). Last evaluated 2024-12-01.

Allele frequency attached by ClinVar (database versions not stated): ExAC 0.00002; gnomAD 0.00003; TOPMed 0.00004; ESP Exome Variant Server 0.00008.
gnomAD v4.1: 34 of 1,605,994 alleles (0.0021%); highest among the groups gnomAD compares: African/African-American, 0.0027%; no homozygotes.

Submissions (2):

CeGaT Center for Human Genetics Tuebingen
Classification: Likely benign. Last evaluated: 2024-12-01. Review status: criteria provided, single submitter. Criteria: CeGaT Center For Human Genetics Tuebingen Variant Classification Criteria Version 2. Collection method: clinical testing. Allele origin: germline. Affected: yes. Observed: 1 variant allele.
Comment: CC2D1A: BP4, BP7

Labcorp Genetics (formerly Invitae), Labcorp
Classification: Likely benign. Last evaluated: 2024-02-05. Review status: criteria provided, single submitter. Criteria: Invitae Variant Classification Sherloc (09022015). Collection method: clinical testing. Allele origin: germline.

NM_017721.5(CC2D1A):c.1647G>A (p.Pro549=)

Gene: CC2D1A (coiled-coil and C2 domain containing 1A; plus strand). Cytogenetic location: 19p13.12.
Variant type: single nucleotide variant.
Coding change: c.1647G>A on transcript NM_017721.5 (MANE Select); coding-DNA position 1647, G replaced by A.
Protein change: p.Pro549=; no amino-acid change (proline 549 retained).
Molecular consequence: synonymous variant.
Genome position (GRCh38, 1-based): chr19:13,923,338, G>A. VCF-style: chr19-13923338-G-A. GRCh37 (hg19) VCF-style: chr19-14034151-G-A.
Other names: c.1647G>A, p.Pro549= (NM_001411138.1).
Identifiers: ClinVar variation 3011083 (VCV003011083.16), dbSNP rs377534200, ClinGen allele CA9244752.